The following is an entry in ClinVar:

NM_000562.3(C8A):c.1336T>C (p.Trp446Arg)

Gene: C8A (complement C8 alpha chain; plus strand). Cytogenetic location: 1p32.2.
Variant type: single nucleotide variant.
Coding change: c.1336T>C on transcript NM_000562.3 (MANE Select); coding-DNA position 1336, T replaced by C.
Protein change: p.Trp446Arg; replaces tryptophan 446 with arginine.
Molecular consequence: missense variant.
Genome position (GRCh38, 1-based): chr1:56,908,069, T>C. VCF-style: chr1-56908069-T-C. GRCh37 (hg19) VCF-style: chr1-57373742-T-C.
Other names: short protein forms W446R.
Identifiers: ClinVar variation 1059085 (VCV001059085.7), dbSNP rs147281350, ClinGen allele CA875334.

ClinVar aggregate classification (germline): Uncertain significance. Review status: criteria provided, multiple submitters, no conflicts (2 of 4 stars). 2 submissions from 2 submitters: Uncertain significance (2). Last evaluated 2024-05-03.

Allele frequency attached by ClinVar (database versions not stated): gnomAD 0.00006 and 0.00007; ExAC 0.00008; ESP Exome Variant Server 0.00008.
gnomAD v4.1: 80 of 1,614,156 alleles (0.005%); highest among the groups gnomAD compares: Middle Eastern, 0.066%; no homozygotes.

Submissions (2):

Blueprint Genetics
Classification: Uncertain significance. Last evaluated: 2024-05-03. Review status: criteria provided, single submitter. Criteria: ACMG Guidelines, 2015. Collection method: clinical testing. Allele origin: germline.

Labcorp Genetics (formerly Invitae), Labcorp
Classification: Uncertain significance. Last evaluated: 2022-10-17. Review status: criteria provided, single submitter. Criteria: Invitae Variant Classification Sherloc (09022015). Collection method: clinical testing. Allele origin: germline.
Comment: This sequence change replaces tryptophan, which is neutral and slightly polar, with arginine, which is basic and polar, at codon 446 of the C8A protein (p.Trp446Arg). This variant is present in population databases (rs147281350, gnomAD 0.01%). This variant has not been reported in the literature in individuals affected with C8A-related conditions. ClinVar contains an entry for this variant (Variation ID: 1059085). Algorithms developed to predict the effect of missense changes on protein structure and function (SIFT, PolyPhen-2, Align-GVGD) all suggest that this variant is likely to be disruptive. In summary, the available evidence is currently insufficient to determine the role of this variant in disease. Therefore, it has been classified as a Variant of Uncertain Significance.